The following is an entry in ClinVar:

NM_005751.5(AKAP9):c.11270A>G (p.Asn3757Ser)

Gene: AKAP9 (A-kinase anchoring protein 9; plus strand). Cytogenetic location: 7q21.2.
Variant type: single nucleotide variant.
Coding change: c.11270A>G on transcript NM_005751.5 (MANE Select); coding-DNA position 11270, A replaced by G.
Protein change: p.Asn3757Ser; replaces asparagine 3757 with serine.
Molecular consequence: missense variant.
Genome position (GRCh38, 1-based): chr7:92,102,766, A>G. VCF-style: chr7-92102766-A-G. GRCh37 (hg19) VCF-style: chr7-91732080-A-G.
Other names: c.5915A>G, p.Asn1972Ser (NM_001379277.1); c.11246A>G, p.Asn3749Ser (NM_147185.3); c.11270A>G (NM_005751.4); short protein forms N1972S, N3749S, N3757S.
Identifiers: ClinVar variation 1025144 (VCV001025144.9), dbSNP rs571076507, ClinGen allele CA4338130.

ClinVar aggregate classification (germline): Uncertain significance. Review status: criteria provided, multiple submitters, no conflicts (2 of 4 stars). 2 submissions from 2 submitters: Uncertain significance (2). Last evaluated 2025-07-21.

Conditions:
Long QT syndrome (LQTS). Identifiers: MedGen C0023976, MeSH D008133, MONDO:0002442. Disease mechanism: loss of function. Inheritance: Various modes of inheritance.
Cardiovascular phenotype. Identifiers: MedGen CN230736.

Allele frequency attached by ClinVar (database versions not stated): TOPMed 0.00002; ExAC 0.00004; gnomAD 0.00004; gnomAD exomes 0.00004; 1000 Genomes Project 30x 0.00016; 1000 Genomes Project 0.00020.

Submissions (2):

Ambry Genetics
Classification: Uncertain significance for Cardiovascular phenotype. Last evaluated: 2025-07-21. Review status: criteria provided, single submitter. Criteria: Ambry Variant Classification Scheme 2023. Collection method: clinical testing. Allele origin: germline.
Comment: The p.N3757S variant (also known as c.11270A>G), located in coding exon 46 of the AKAP9 gene, results from an A to G substitution at nucleotide position 11270. The asparagine at codon 3757 is replaced by serine, an amino acid with highly similar properties. This amino acid position is conserved. In addition, this alteration is predicted to be tolerated by in silico analysis. Since supporting evidence is limited at this time, the clinical significance of this alteration remains unclear.

Labcorp Genetics (formerly Invitae), Labcorp
Classification: Uncertain significance for Long QT syndrome. Last evaluated: 2024-10-23. Review status: criteria provided, single submitter. Criteria: Invitae Variant Classification Sherloc (09022015). Collection method: clinical testing. Allele origin: germline.
Comment: This sequence change replaces asparagine, which is neutral and polar, with serine, which is neutral and polar, at codon 3757 of the AKAP9 protein (p.Asn3757Ser). This variant is present in population databases (rs571076507, gnomAD 0.006%). This variant has not been reported in the literature in individuals affected with AKAP9-related conditions. ClinVar contains an entry for this variant (Variation ID: 1025144). An algorithm developed to predict the effect of missense changes on protein structure and function outputs the following: PolyPhen-2: "Benign". The serine amino acid residue is found in multiple mammalian species, which suggests that this missense change does not adversely affect protein function. In summary, the available evidence is currently insufficient to determine the role of this variant in disease. Therefore, it has been classified as a Variant of Uncertain Significance.